The following is an entry in ClinVar:

ClinVar aggregate classification (germline): Uncertain significance (1 of 4 stars; one submission).

Submission:

Labcorp Genetics (formerly Invitae), Labcorp
Classification: Uncertain significance. Last evaluated: 2025-08-07. Review status: criteria provided, single submitter. Criteria: Invitae Variant Classification Sherloc (09022015). Collection method: clinical testing. Allele origin: germline.
Comment: This sequence change replaces aspartic acid, which is acidic and polar, with glycine, which is neutral and non-polar, at codon 2021 of the ACACA protein (p.Asp2021Gly). This variant is not present in population databases (gnomAD no frequency). This variant has not been reported in the literature in individuals affected with ACACA-related conditions. An algorithm developed to predict the effect of missense changes on protein structure and function (PolyPhen-2) suggests that this variant is likely to be disruptive. In summary, the available evidence is currently insufficient to determine the role of this variant in disease. Therefore, it has been classified as a Variant of Uncertain Significance.

NM_198834.3(ACACA):c.6173A>G (p.Asp2058Gly)

Gene: ACACA (acetyl-CoA carboxylase alpha; minus strand). Cytogenetic location: 17q12.
Variant type: single nucleotide variant.
Coding change: c.6173A>G on transcript NM_198834.3 (MANE Select); coding-DNA position 6173, A replaced by G.
Protein change: p.Asp2058Gly; replaces aspartic acid 2058 with glycine.
Molecular consequence: missense variant.
Genome position (GRCh38, 1-based): chr17:37,121,456, T>C on the plus strand (A>G on the coding strand, the complement: ACACA is on the minus strand). VCF-style: chr17-37121456-T-C. GRCh37 (hg19) VCF-style: chr17-35478378-T-C.
Other names: c.6062A>G, p.Asp2021Gly (NM_198836.3, NM_198839.3); c.5888A>G, p.Asp1963Gly (NM_198837.2); c.5828A>G, p.Asp1943Gly (NM_198838.2); short protein forms D1963G, D2021G, D1943G, D2058G.
Identifiers: ClinVar variation 4775594 (VCV004775594.1).
Genomic context (GRCh38, chr17:37,121,456, plus strand): 5'-ATCAGAGGCAGCCCTTCCCGGTTGAAGTCCTTGATGGCCTGATACGTCTTAAACGCAGAA[T>C]CTGGGAACCAAACCTGGCCAGCCTGCTGGATTATCTATTAGGAAAAGTCAAAGAAGACAC-3'
Protein context (NP_942131.1, residues 2048-2068): IQQAGQVWFP[Asp2058Gly]SAFKTYQAIK